The following is an entry in ClinVar:

ClinVar aggregate classification (germline): Uncertain significance. Review status: criteria provided, multiple submitters, no conflicts (2 of 4 stars). 2 submissions from 2 submitters: Uncertain significance (2). Last evaluated 2025-09-15.

Conditions:
Hereditary cancer-predisposing syndrome. Also called: Hereditary Cancer Syndrome; Hereditary neoplastic syndrome; Neoplastic Syndromes, Hereditary; Tumor predisposition. Identifiers: Orphanet 140162, MedGen C0027672, MeSH D009386, MONDO:0015356.
Ataxia-telangiectasia syndrome (AT). Also called: Ataxia-telangiectasia, complementation group D; Ataxia telangiectasia (A-T); ATAXIA-TELANGIECTASIA, COMPLEMENTATION GROUP A; LOUIS-BAR SYNDROME; Cerebello-oculocutaneous telangiectasia; Immunodeficiency with ataxia telangiectasia. Identifiers: Orphanet 100, MedGen C0004135, MONDO:0008840, OMIM 208900.

Submissions (2):

Ambry Genetics
Classification: Uncertain significance for Hereditary cancer-predisposing syndrome. Last evaluated: 2025-09-15. Review status: criteria provided, single submitter. Criteria: Ambry Variant Classification Scheme 2023. Collection method: clinical testing. Allele origin: germline.
Comment: The p.M617I variant (also known as c.1851G>A), located in coding exon 11 of the ATM gene, results from a G to A substitution at nucleotide position 1851. The methionine at codon 617 is replaced by isoleucine, an amino acid with highly similar properties. This amino acid position is well conserved in available vertebrate species. In addition, this alteration is predicted to be tolerated by in silico analysis. Based on the available evidence, the clinical significance of this variant remains unclear.

Labcorp Genetics (formerly Invitae), Labcorp
Classification: Uncertain significance for Ataxia-telangiectasia syndrome. Last evaluated: 2022-10-05. Review status: criteria provided, single submitter. Criteria: Invitae Variant Classification Sherloc (09022015). Collection method: clinical testing. Allele origin: germline.
Comment: In summary, the available evidence is currently insufficient to determine the role of this variant in disease. Therefore, it has been classified as a Variant of Uncertain Significance. Algorithms developed to predict the effect of missense changes on protein structure and function (SIFT, PolyPhen-2, Align-GVGD) all suggest that this variant is likely to be tolerated. This variant has not been reported in the literature in individuals affected with ATM-related conditions. This variant is not present in population databases (gnomAD no frequency). This sequence change replaces methionine, which is neutral and non-polar, with isoleucine, which is neutral and non-polar, at codon 617 of the ATM protein (p.Met617Ile).

NM_000051.4(ATM):c.1851G>A (p.Met617Ile)

Gene: ATM (ATM serine/threonine kinase; plus strand). Cytogenetic location: 11q22.3.
Variant type: single nucleotide variant.
Coding change: c.1851G>A on transcript NM_000051.4 (MANE Select); coding-DNA position 1851, G replaced by A.
Protein change: p.Met617Ile; replaces methionine 617 with isoleucine.
Molecular consequence: missense variant.
Genome position (GRCh38, 1-based): chr11:108,252,865, G>A. VCF-style: chr11-108252865-G-A. GRCh37 (hg19) VCF-style: chr11-108123592-G-A.
Other names: c.1851G>A, p.Met617Ile (NM_001351834.2); short protein forms M617I.
Identifiers: ClinVar variation 1721025 (VCV001721025.6), dbSNP rs2497290860, ClinGen allele CA382535870.